The following is an entry in ClinVar:

ClinVar aggregate classification (germline): no classifications from unflagged records (0 of 4 stars; one submission).

Conditions:
Premature ovarian insufficiency (POF). Also called: Premature ovarian failure. Identifiers: MedGen C4303540, HP:0008209.

Submission:

Department of Biotechnology, Institute of Molecular and Cell Biology, University of Tartu
Classification: Uncertain significance for Primary ovarian failure. Last evaluated: 2015-01-07. Review status: flagged submission. Criteria: ACMG CNV Guidelines, 2011. Collection method: reference population. Allele origin: unknown. Affected: yes. Observed: 1 variant allele.
ClinVar note: Notes: This submission was flagged because its interpretation of this variant conflicts with the ClinGen Gene Dosage Map curation for the gene PMP22.
ClinVar note: Reason: Conflict with ClinGen Gene Dosage Map

GRCh37/hg19 17p12(chr17:14105874-15383769)x1

Genes: CDRT4 (CMT1A duplicated region transcript 4; minus strand), CDRT15 (CMT1A duplicated region transcript 15; minus strand), COX10 (cytochrome c oxidase assembly factor heme A:farnesyltransferase COX10; plus strand), HS3ST3B1 (heparan sulfate-glucosamine 3-sulfotransferase 3B1; plus strand), PMP22 (peripheral myelin protein 22; minus strand) and 2 more. Cytogenetic location: 17p12.
Variant type: copy number loss.
Change: copy number 1 (one copy instead of two) of chr17:14,105,874-15,383,769 (1.28 Mb, GRCh37 coordinates, 1-based), cytogenetic band 17p12.
Identifiers: ClinVar variation 221759 (VCV000221759.2).